The following is an entry in ClinVar:

ClinVar aggregate classification (germline): Uncertain significance (1 of 4 stars; one submission).

Conditions:
EP300-related disorder. Also called: EP300-related disorders; EP300-related condition.

gnomAD v4.1: 14 of 1,614,080 alleles (0.00087%); highest among the groups gnomAD compares: Non-Finnish European, 0.001%; no homozygotes.

Submission:

PreventionGenetics, part of Exact Sciences
Classification: Uncertain significance for EP300-related condition. Last evaluated: 2024-11-20. Review status: criteria provided, single submitter. Criteria: ACMG Guidelines, 2015. Collection method: clinical testing. Allele origin: germline.
Comment: The EP300 c.6970C>G variant is predicted to result in the amino acid substitution p.His2324Asp. To our knowledge, this variant has not been reported in the literature. This variant is reported in 0.0054% of alleles in individuals of East Asian descent in gnomAD. At this time, the clinical significance of this variant is uncertain due to the absence of conclusive functional and genetic evidence.

NM_001429.4(EP300):c.6970C>G (p.His2324Asp)

Gene: EP300 (EP300 lysine acetyltransferase; plus strand). Cytogenetic location: 22q13.2.
Variant type: single nucleotide variant.
Coding change: c.6970C>G on transcript NM_001429.4 (MANE Select); coding-DNA position 6970, C replaced by G.
Protein change: p.His2324Asp; replaces histidine 2324 with aspartic acid.
Molecular consequence: missense variant.
Genome position (GRCh38, 1-based): chr22:41,178,681, C>G. VCF-style: chr22-41178681-C-G. GRCh37 (hg19) VCF-style: chr22-41574685-C-G.
Other names: c.6892C>G, p.His2298Asp (NM_001362843.2); short protein forms H2298D, H2324D.
Identifiers: ClinVar variation 2628900 (VCV002628900.2), dbSNP rs202094489, ClinGen allele CA10253997.